The following is an entry in ClinVar:

ClinVar aggregate classification (germline): not provided (0 of 4 stars; one submission).

Conditions:
Gestational diabetes mellitus uncontrolled. Identifiers: MedGen C3532257.

Submission:

Institute of Molecular and Cell Biology, University of Tartu
No classification provided. Condition: Gestational diabetes mellitus uncontrolled. Review status: no classification provided. Collection method: case-control. Allele origin: unknown. Affected: yes. Study: Kasak2014.
Comment: The study aimed to determine the contribution of copy number variants in the genetic etiology of normal and complicated pregnancies. The samples represented (i) maternal blood DNA drawn from healthy pregnant women during 1st or 2nd trimester and (ii) maternal and paternal blood DNA drawn at term pregnancy cases representing normal and complicated gestations (severe preeclampsia, PE; gestational diabetes, GD; small-for-gestational age newborn, SGA; large-for-gestational age newborn, LGA). We performed CNV calling based on genome-wide genotyping dataset (Illumina HumanOmniExpress-24-v1 BeadChip) by applying three algorithms, QuantiSNP, GADA (Genome Alteration Detection Algorithm) and CNstream in parallel. The acquired CNV calls were merged with HD-CNV (Hotspot Detector for Copy Number Variants) program and only the CNVs predicted by at least two programs, were considered in subsequent analysis.

Literature cited by the submitters: PubMed 25666259.

Single allele

Genes: MOGAT1 (monoacylglycerol O-acyltransferase 1; plus strand), LOC111828512 (Sharpr-MPRA regulatory regions 6546 and 9925; plus strand). Cytogenetic location: 2q36.1.
Variant type: Deletion.
Identifiers: ClinVar variation 156823 (VCV000156823.2).